The following is an entry in ClinVar:

ClinVar aggregate classification (germline): Conflicting classifications of pathogenicity. Review status: criteria provided, conflicting classifications (1 of 4 stars). 2 submissions from 2 submitters: Likely pathogenic (1); Uncertain significance (1). Last evaluated 2022-04-12.

Conditions:
Cockayne syndrome type 2 (CSB). Also called: Cockayne Syndrome, Type II; COCKAYNE SYNDROME B. Identifiers: Orphanet 191, Orphanet 90322, MedGen C0751038, MONDO:0019570, OMIM 133540.

Allele frequency attached by ClinVar (database versions not stated): gnomAD 0.00001; gnomAD exomes 0.00001; TOPMed 0.00001.
gnomAD v4.1: 13 of 1,613,596 alleles (0.00081%); highest among the groups gnomAD compares: Admixed American, 0.005%; no homozygotes.

Submissions (2):

Labcorp Genetics (formerly Invitae), Labcorp
Classification: Uncertain significance. Last evaluated: 2022-04-12. Review status: criteria provided, single submitter. Criteria: Invitae Variant Classification Sherloc (09022015). Collection method: clinical testing. Allele origin: germline.
Comment: This sequence change falls in intron 7 of the ERCC6 gene. It does not directly change the encoded amino acid sequence of the ERCC6 protein. It affects a nucleotide within the consensus splice site. This variant is present in population databases (no rsID available, gnomAD 0.006%). This variant has not been reported in the literature in individuals affected with ERCC6-related conditions. Variants that disrupt the consensus splice site are a relatively common cause of aberrant splicing (PMID: 17576681, 9536098). Algorithms developed to predict the effect of sequence changes on RNA splicing suggest that this variant may disrupt the consensus splice site. In summary, the available evidence is currently insufficient to determine the role of this variant in disease. Therefore, it has been classified as a Variant of Uncertain Significance.

Victorian Clinical Genetics Services, Murdoch Childrens Research Institute
Classification: Likely pathogenic for Cockayne syndrome type 2. Last evaluated: 2020-05-21. Review status: criteria provided, single submitter. Criteria: ACMG Guidelines, 2015. Collection method: clinical testing. Allele origin: germline.
Comment: The heterozygous splice variant, NM_000124.3(ERCC6):c.1685+5G>A, was identified in intron 7 of the ERCC6 gene (chr10:50708579).�This substitution is predicted to cause a loss of the canonical donor site of exon�7, which may result in a truncated protein; further tests are required to confirm this.�The nucleotide at this position has high conservation (100 vertebrates, UCSC).�This variant is present in population databases at a frequency of 0.0008% (ExAC, GnomAD) but has not been previously observed in our cohort or in other clinical cases. However, other splice site variants, including canonical and non canonical splice sites, have been reported as PATHOGENIC in patients with Cockayne syndrome (ClinVar). Based on current information, this variant has been classified as LIKELY PATHOGENIC.� The presence of these two variants suggests a possible compound heterozygous mode of inheritance which is consistent with Cockayne syndrome.

Literature cited by the submitters: PubMed 17576681 (cited by Labcorp Genetics (formerly Invitae), Labcorp); PubMed 9536098 (cited by Labcorp Genetics (formerly Invitae), Labcorp).

NM_000124.4(ERCC6):c.1685+5G>A

Gene: ERCC6 (ERCC excision repair 6, chromatin remodeling factor; minus strand). Cytogenetic location: 10q11.23.
Variant type: single nucleotide variant.
Coding change: c.1685+5G>A on transcript NM_000124.4 (MANE Select); 5 bases into the intron after coding-DNA position 1685, G replaced by A.
Molecular consequence: intron variant.
Genome position (GRCh38, 1-based): chr10:49,500,533, C>T on the plus strand (G>A on the coding strand, the complement: ERCC6 is on the minus strand). VCF-style: chr10-49500533-C-T. GRCh37 (hg19) VCF-style: chr10-50708579-C-T.
Other names: c.1685+5G>A (NM_001346440.2, NM_000124.3).
Identifiers: ClinVar variation 2155677 (VCV002155677.2), dbSNP rs1349103905, ClinGen allele CA593368309.